The following is an entry in ClinVar:

NM_006218.4(PIK3CA):c.485G>A (p.Arg162Lys)

Gene: PIK3CA (phosphatidylinositol-4,5-bisphosphate 3-kinase catalytic subunit alpha; plus strand). Cytogenetic location: 3q26.32.
Variant type: single nucleotide variant.
Coding change: c.485G>A on transcript NM_006218.4 (MANE Select); coding-DNA position 485, G replaced by A.
Protein change: p.Arg162Lys; replaces arginine 162 with lysine.
Molecular consequence: missense variant.
Genome position (GRCh38, 1-based): chr3:179,199,822, G>A. VCF-style: chr3-179199822-G-A. GRCh37 (hg19) VCF-style: chr3-178917610-G-A.
Other names: c.485G>A (LRG_310t1); short protein forms R162K.
Identifiers: ClinVar variation 452946 (VCV000452946.2), dbSNP rs1553820511, ClinGen allele CA355274284.

ClinVar aggregate classification (germline): Uncertain significance (1 of 4 stars; one submission).

Submission:

GeneDx
Classification: Uncertain significance. Last evaluated: 2017-10-23. Review status: criteria provided, single submitter. Criteria: GeneDx Variant Classification (06012015). Collection method: clinical testing. Allele origin: germline. Affected: yes.
Comment: The R162K variant in the PIK3CA gene has not been reported previously as a pathogenic variant, nor as a benign variant, to our knowledge. The R162K variant is not observed in large population cohorts (Lek et al., 2016). The R162K variant is a conservative amino acid substitution, which is not likely to impact secondary protein structure as these residues share similar properties. This substitution occurs at a position that is conserved across species. In silico analysis is inconsistent in its predictions as to whether or not the variant is damaging to the protein structure/function. We interpret R162K as a variant of uncertain significance